The following is an entry in ClinVar:

ClinVar aggregate classification (germline): Conflicting classifications of pathogenicity. Review status: criteria provided, conflicting classifications (1 of 4 stars). 22 submissions from 18 submitters: Uncertain significance (15); Benign (2); Likely benign (4). 1 of the submissions does not count toward it. Last evaluated 2025-09-16.

Conditions:
TTN-related disorder. Also called: TTN-related condition; TTN-related disease; TTN-related disorders.
Cardiovascular phenotype. Identifiers: MedGen CN230736.
Autosomal recessive limb-girdle muscular dystrophy type 2J (LGMDR10). Also called: Limb-girdle muscular dystrophy, type 2J; MUSCULAR DYSTROPHY, LIMB-GIRDLE, AUTOSOMAL RECESSIVE 10. Identifiers: Orphanet 140922, MedGen C1837342, MONDO:0012127, OMIM 608807.
Dilated cardiomyopathy 1G (CMD1G). Identifiers: Orphanet 154, MedGen C1858763, MONDO:0011400, OMIM 604145.
Early-onset myopathy with fatal cardiomyopathy (CMYO5). Also called: Salih Myopathy; CONGENITAL MYOPATHY 5 WITH CARDIOMYOPATHY. Identifiers: Orphanet 289377, MedGen C2673677, MONDO:0012714, OMIM 611705. Disease mechanism: loss of function.
Myopathy, myofibrillar, 9, with early respiratory failure (MFM9). Also called: EDSTROM MYOPATHY; MYOPATHY, PROXIMAL, WITH EARLY RESPIRATORY MUSCLE INVOLVEMENT; Myopathy, distal, with early respiratory failure, autosomal dominant; Hereditary myopathy with early respiratory failure. Identifiers: Orphanet 178464, Orphanet 34521, MedGen C1863599, MONDO:0011362, OMIM 603689.
Tibial muscular dystrophy (TMD). Also called: Tibial muscular dystrophy, tardive; UDD MYOPATHY; Udd Distal Myopathy – Tibial Muscular Dystrophy. Identifiers: Orphanet 609, MedGen C1838244, MONDO:0010870, OMIM 600334.
Hypertrophic cardiomyopathy 9. Also called: Familial hypertrophic cardiomyopathy 9. Identifiers: MedGen C1861065, MONDO:0013412, OMIM 613765.
Cardiomyopathy (CMYO). Also called: Cardiomyopathies. Identifiers: Orphanet 167848, MedGen C0878544, MONDO:0004994, HP:0001638. Inheritance: Various modes of inheritance.

Allele frequency attached by ClinVar (database versions not stated): ExAC 0.00012; 1000 Genomes Project 30x 0.00016; gnomAD exomes 0.00016 and 0.00021; 1000 Genomes Project 0.00020; gnomAD 0.00021; TOPMed 0.00022; ESP Exome Variant Server 0.00040.
gnomAD v4.1: 350 of 1,613,528 alleles (0.022%); highest among the groups gnomAD compares: Middle Eastern, 0.05%; no homozygotes.

Submissions 1 to 15 of 22:

PreventionGenetics, part of Exact Sciences
Classification: Likely benign for TTN-related condition. Last evaluated: 2025-09-16. Review status: criteria provided, single submitter. Criteria: ACMG Guidelines, 2015. Collection method: clinical testing. Allele origin: germline.
Comment: This variant is classified as likely benign based on ACMG/AMP sequence variant interpretation guidelines (Richards et al. 2015 PMID: 25741868, with internal and published modifications).

Mayo Clinic Laboratories, Mayo Clinic
Classification: Uncertain significance. Last evaluated: 2025-09-11. Review status: criteria provided, single submitter. Criteria: ACMG Guidelines, 2015. Collection method: clinical testing. Allele origin: germline. Observed: 7 variant alleles.

CeGaT Center for Human Genetics Tuebingen
Classification: Uncertain significance. Last evaluated: 2025-09-01. Review status: criteria provided, single submitter. Criteria: CeGaT Center For Human Genetics Tuebingen Variant Classification Criteria Version 2. Collection method: clinical testing. Allele origin: germline. Affected: yes. Observed: 1 variant allele.

Molecular Diagnostic Laboratory for Inherited Cardiovascular Disease, Montreal Heart Institute
Classification: Likely benign. Last evaluated: 2025-04-09. Review status: criteria provided, single submitter. Criteria: ACMG Guidelines, 2015. Collection method: clinical testing. Allele origin: germline. Affected: no.

Blueprint Genetics
Classification: Likely benign. Last evaluated: 2024-10-01. Review status: criteria provided, single submitter. Criteria: ACMG Guidelines, 2015. Collection method: clinical testing. Allele origin: germline.

Athena Diagnostics
Classification: Uncertain significance. Last evaluated: 2024-03-01. Review status: criteria provided, single submitter. Criteria: Athena Diagnostics Criteria. Collection method: clinical testing. Allele origin: unknown.
Comment: Available data are insufficient to determine the clinical significance of the variant at this time. The frequency of this variant in the general population is higher than would generally be expected for pathogenic variants in this gene. Computational tools disagree on the variant's effect on normal protein function.

Women's Health and Genetics/Laboratory Corporation of America, LabCorp
Classification: Uncertain significance. Last evaluated: 2023-09-05. Review status: criteria provided, single submitter. Criteria: LabCorp Variant Classification Summary - May 2015. Collection method: clinical testing. Allele origin: germline.
Comment: Variant summary: TTN c.50659G>A (p.Gly16887Ser) results in a non-conservative amino acid change located in the A-band region of the encoded protein sequence. Five of five in-silico tools predict a damaging effect of the variant on protein function. The variant allele was found at a frequency of 0.00016 in 248502 control chromosomes (gnomAD). This frequency is not significantly higher than estimated for a pathogenic variant in TTN causing Dilated Cardiomyopathy (0.00016 vs 0.00039), allowing no conclusion about variant significance. c.50659G>A has been reported in the literature in individuals being tested with an arrhythmia panel in the diagnostic setting (example: van Lint_2019). This report does not provide unequivocal conclusions about association of the variant with Dilated Cardiomyopathy. To our knowledge, no experimental evidence demonstrating an impact on protein function has been reported. The following publication has been ascertained in the context of this evaluation (PMID: 30847666). Eight submitters have cited clinical-significance assessments for this variant to ClinVar after 2014 and all classified the variant as as uncertain significance. Based on the evidence outlined above, the variant was classified as uncertain significance.

CHEO Genetics Diagnostic Laboratory, Children's Hospital of Eastern Ontario
Classification: Likely benign for Cardiomyopathy. Last evaluated: 2023-06-26. Review status: criteria provided, single submitter. Criteria: ACMG Guidelines, 2015. Collection method: clinical testing. Allele origin: germline.

Revvity Omics, Revvity
Classification: Uncertain significance. Last evaluated: 2023-01-23. Review status: criteria provided, single submitter. Criteria: ACMG Guidelines, 2015. Collection method: clinical testing. Allele origin: germline.

Department of Pathology and Laboratory Medicine, Sinai Health System
Classification: Uncertain significance for Tibial muscular dystrophy; Myopathy, myofibrillar, 9, with early respiratory failure; Dilated cardiomyopathy 1G; Autosomal recessive limb-girdle muscular dystrophy type 2J; Early-onset myopathy with fatal cardiomyopathy; Hypertrophic cardiomyopathy 9. Last evaluated: 2022-06-16. Review status: criteria provided, single submitter. Criteria: ACMG Guidelines, 2015. Collection method: research. Allele origin: germline.

ARUP Laboratories, Molecular Genetics and Genomics, ARUP Laboratories
Classification: Uncertain significance. Last evaluated: 2021-01-15. Review status: criteria provided, single submitter. Criteria: ARUP Molecular Germline Variant Investigation Process 2021. Collection method: clinical testing. Allele origin: germline.
Comment: The TTN c.58363G>A; p.Gly19455Ser variant (rs191927501; ClinVar Variation ID: 195843) is rare in the general population (<0.2% allele frequency in the Genome Aggregation Database) and has not been reported in the medical literature in association with dilated cardiomyopathy (DCM) or other TTN-related disease. The clinical relevance of rare missense variants in this gene, which are identified on average once per individual sequenced in affected populations (Herman 2012), is not well understood. Yet, evidence suggests that the vast majority of such missense variants do not contribute to the clinical outcome of DCM (Begay 2015). Thus, the clinical significance of the p.Gly19455Ser variant cannot be determined with certainty. References: Begay RL et al. Role of Titin Missense Variants in Dilated Cardiomyopathy. J Am Heart Assoc. 2015 Nov 13;4(11). Herman DS et al. Truncations of titin causing dilated cardiomyopathy. N Engl J Med. 2012 Feb 16;366(7):619-28. Linke WA and Hamdani N. Gigantic business: titin properties and function through thick and thin. Circ Res 2014; 114(6): 1052-1068.

Illumina Laboratory Services, Illumina
Classification: Benign for Myopathy, myofibrillar, 9, with early respiratory failure. Last evaluated: 2018-01-13. Review status: criteria provided, single submitter. Criteria: ICSL Variant Classification Criteria 13 December 2019. Collection method: clinical testing. Allele origin: germline.
Comment: This variant was observed in the ICSL laboratory as part of a predisposition screen in an ostensibly healthy population. It had not been previously curated by ICSL or reported in the Human Gene Mutation Database (HGMD: prior to June 1st, 2018), and was therefore a candidate for classification through an automated scoring system. Utilizing variant allele frequency, disease prevalence and penetrance estimates, and inheritance mode, an automated score was calculated to assess if this variant is too frequent to cause the disease. Based on the score and internal cut-off values, a variant classified as benign is not then subjected to further curation. The score for this variant resulted in a classification of benign for this disease.

Illumina Laboratory Services, Illumina
Classification: Uncertain significance for Autosomal recessive limb-girdle muscular dystrophy type 2J. Last evaluated: 2018-01-13. Review status: criteria provided, single submitter. Criteria: ICSL Variant Classification Criteria 13 December 2019. Collection method: clinical testing. Allele origin: germline.

Illumina Laboratory Services, Illumina
Classification: Uncertain significance for Dilated cardiomyopathy 1G. Last evaluated: 2018-01-13. Review status: criteria provided, single submitter. Criteria: ICSL Variant Classification Criteria 13 December 2019. Collection method: clinical testing. Allele origin: germline.

Illumina Laboratory Services, Illumina
Classification: Uncertain significance for Early-onset myopathy with fatal cardiomyopathy. Last evaluated: 2018-01-13. Review status: criteria provided, single submitter. Criteria: ICSL Variant Classification Criteria 13 December 2019. Collection method: clinical testing. Allele origin: germline.

NM_001267550.2(TTN):c.58363G>A (p.Gly19455Ser)

Genes: TTN (titin; minus strand), TTN-AS1 (TTN antisense RNA 1; plus strand). Cytogenetic location: 2q31.2.
Variant type: single nucleotide variant.
Coding change: c.58363G>A on transcript NM_001267550.2 (MANE Select); coding-DNA position 58363, G replaced by A.
Protein change: p.Gly19455Ser; replaces glycine 19455 with serine.
Molecular consequence: missense variant.
Genome position (GRCh38, 1-based): chr2:178,594,030, C>T on the plus strand (G>A on the coding strand, the complement: TTN is on the minus strand). VCF-style: chr2-178594030-C-T. GRCh37 (hg19) VCF-style: chr2-179458757-C-T.
Other names: p.G17814S:GGC>AGC; p.Gly17814Ser; c.53440G>A, p.Gly17814Ser (NM_001256850.1); c.50659G>A, p.Gly16887Ser (NM_133378.4); c.31168G>A, p.Gly10390Ser (NM_003319.4); c.31543G>A, p.Gly10515Ser (NM_133432.3); c.31744G>A, p.Gly10582Ser (NM_133437.4); c.58363G>A (NM_001267550.1); short protein forms G19455S, G17814S, G16887S, G10582S, G10515S, G10390S.
Identifiers: ClinVar variation 195843 (VCV000195843.44), dbSNP rs191927501, ClinGen allele CA302859.